The following is an entry in ClinVar:

ClinVar aggregate classification (germline): Benign/Likely benign. Review status: criteria provided, multiple submitters, no conflicts (2 of 4 stars). 3 submissions from 3 submitters: Benign (2); Likely benign (1). Last evaluated 2026-01-07.

Conditions:
Periventricular heterotopia with microcephaly, autosomal recessive (ARPHM). Also called: Periventricular heterotopia with microcephaly; PERIVENTRICULAR NODULAR HETEROTOPIA 2. Identifiers: Orphanet 2149, MedGen C1842563, MONDO:0011966, OMIM 608097.

Allele frequency attached by ClinVar (database versions not stated): gnomAD exomes 0.00072 and 0.00202; ExAC 0.00270; 1000 Genomes Project 30x 0.00750; gnomAD 0.00766 and 0.00818; 1000 Genomes Project 0.00839; TOPMed 0.00892; ESP Exome Variant Server 0.00930.
gnomAD v4.1: 2,245 of 1,597,984 alleles (0.14%); highest among the groups gnomAD compares: African/African-American, 2.6%; 26 homozygotes.

Submissions (3):

Labcorp Genetics (formerly Invitae), Labcorp
Classification: Benign. Last evaluated: 2026-01-07. Review status: criteria provided, single submitter. Criteria: Invitae Variant Classification Sherloc (09022015). Collection method: clinical testing. Allele origin: germline.

Illumina Laboratory Services, Illumina
Classification: Likely benign for Periventricular heterotopia with microcephaly, autosomal recessive. Last evaluated: 2018-01-12. Review status: criteria provided, single submitter. Criteria: ICSL Variant Classification Criteria 13 December 2019. Collection method: clinical testing. Allele origin: germline.
Comment: This variant was observed in the ICSL laboratory as part of a predisposition screen in an ostensibly healthy population. It had not been previously curated by ICSL or reported in the Human Gene Mutation Database (HGMD: prior to June 1st, 2018), and was therefore a candidate for classification through an automated scoring system. Utilizing variant allele frequency, disease prevalence and penetrance estimates, and inheritance mode, an automated score was calculated to assess if this variant is too frequent to cause the disease. Based on the score and internal cut-off values, a variant classified as likely benign is not then subjected to further curation. The score for this variant resulted in a classification of likely benign for this disease.

GeneDx
Classification: Benign. Last evaluated: 2015-10-14. Review status: criteria provided, single submitter. Criteria: GeneDx Variant Classification (06012015). Collection method: clinical testing. Allele origin: germline. Affected: yes.
Comment: This variant is considered likely benign or benign based on one or more of the following criteria: it is a conservative change, it occurs at a poorly conserved position in the protein, it is predicted to be benign by multiple in silico algorithms, and/or has population frequency not consistent with disease.

NM_006420.3(ARFGEF2):c.1425+11C>T

Gene: ARFGEF2 (ARF guanine nucleotide exchange factor 2; plus strand). Cytogenetic location: 20q13.13.
Variant type: single nucleotide variant.
Coding change: c.1425+11C>T on transcript NM_006420.3 (MANE Select); 11 bases into the intron after coding-DNA position 1425, C replaced by T.
Molecular consequence: intron variant.
Genome position (GRCh38, 1-based): chr20:48,971,365, C>T. VCF-style: chr20-48971365-C-T. GRCh37 (hg19) VCF-style: chr20-47587902-C-T.
Identifiers: ClinVar variation 338687 (VCV000338687.14), dbSNP rs74970217, ClinGen allele CA9898391.